The following is an entry in ClinVar:

ClinVar aggregate classification (germline): Uncertain significance (1 of 4 stars; one submission).

Allele frequency attached by ClinVar (database versions not stated): gnomAD exomes below 0.00001; TOPMed below 0.00001.
gnomAD v4.1: 2 of 1,613,306 alleles (0.00012%); highest among the groups gnomAD compares: Non-Finnish European, 0.00017%; no homozygotes.

Submission:

Labcorp Genetics (formerly Invitae), Labcorp
Classification: Uncertain significance. Last evaluated: 2022-02-05. Review status: criteria provided, single submitter. Criteria: Invitae Variant Classification Sherloc (09022015). Collection method: clinical testing. Allele origin: germline.
Comment: In summary, the available evidence is currently insufficient to determine the role of this variant in disease. Therefore, it has been classified as a Variant of Uncertain Significance. Algorithms developed to predict the effect of missense changes on protein structure and function (SIFT, PolyPhen-2, Align-GVGD) all suggest that this variant is likely to be tolerated. This variant has not been reported in the literature in individuals affected with MKL1-related conditions. The frequency data for this variant in the population databases is considered unreliable, as metrics indicate poor data quality at this position in the gnomAD database. This sequence change replaces alanine, which is neutral and non-polar, with serine, which is neutral and polar, at codon 299 of the MKL1 protein (p.Ala299Ser).

NM_020831.6(MRTFA):c.1195G>T (p.Ala399Ser)

Gene: MRTFA (myocardin related transcription factor A; minus strand). Cytogenetic location: 22q13.1.
Variant type: single nucleotide variant.
Coding change: c.1195G>T on transcript NM_020831.6 (MANE Select); coding-DNA position 1195, G replaced by T.
Protein change: p.Ala399Ser; replaces alanine 399 with serine.
Molecular consequence: missense variant.
Genome position (GRCh38, 1-based): chr22:40,420,563, C>A on the plus strand (G>T on the coding strand, the complement: MRTFA is on the minus strand). VCF-style: chr22-40420563-C-A. GRCh37 (hg19) VCF-style: chr22-40816567-C-A.
Other names: c.895G>T, p.Ala299Ser (NM_001282660.2); c.1045G>T, p.Ala349Ser (NM_001282661.3); c.1195G>T, p.Ala399Ser (NM_001282662.3); c.1000G>T, p.Ala334Ser (NM_001318139.2); short protein forms A299S, A334S, A349S, A399S.
Identifiers: ClinVar variation 1683107 (VCV001683107.8), dbSNP rs1384027690, ClinGen allele CA411663682.
Genomic context (GRCh38, chr22:40,420,563, plus strand): 5'-TGGAGCTGCTATTGGTAGTGGAGAGGCTGCGTACTGGGGGGGTCCCGCTGCTTCCCAGGG[C>A]CTCGCCTGCTGACCTGGGAAGAAAAGGCAGAAATTAGCCCCATCCAGCTTCGCCCGTGGC-3'
Protein context (NP_065882.2, residues 389-409): LPAPPKSAGE[Ala399Ser]LGSSGTPPVR